The following is an entry in ClinVar:

NM_015409.5(EP400):c.3890A>G (p.Lys1297Arg)

Gene: EP400 (E1A binding protein p400; plus strand). Cytogenetic location: 12q24.33.
Variant type: single nucleotide variant.
Coding change: c.3890A>G on transcript NM_015409.5 (MANE Select); coding-DNA position 3890, A replaced by G.
Protein change: p.Lys1297Arg; replaces lysine 1297 with arginine.
Molecular consequence: missense variant.
Genome position (GRCh38, 1-based): chr12:132,013,880, A>G. VCF-style: chr12-132013880-A-G. GRCh37 (hg19) VCF-style: chr12-132498425-A-G.
Other names: short protein forms K1297R.
Identifiers: ClinVar variation 2632295 (VCV002632295.1), dbSNP rs762691736, ClinGen allele CA6885521.
Genomic context (GRCh38, chr12:132,013,880, plus strand): 5'-AAAAGCAACTAACAAAGAAATATGAGCATGTTTTGAAGTGTCGCCTTTCTAACCGACAAA[A>G]AGCCTTATACGAGGACGTTATCCTGCAACCTGGGTGAGTGTGGGCTCTGGGCATGTGCCC-3'
Protein context (NP_056224.3, residues 1287-1307): VLKCRLSNRQ[Lys1297Arg]ALYEDVILQP

ClinVar aggregate classification (germline): Uncertain significance (1 of 4 stars; one submission).

Conditions:
EP400-related disorder. Also called: EP400-related condition.

Allele frequency attached by ClinVar (database versions not stated): gnomAD exomes below 0.00001; ExAC 0.00001.
gnomAD v4.1: 1 of 1,614,258 alleles (0.000062%); highest among the groups gnomAD compares: South Asian, 0.0011%; no homozygotes.

Submission:

PreventionGenetics, part of Exact Sciences
Classification: Uncertain significance for EP400-related condition. Last evaluated: 2023-06-12. Review status: criteria provided, single submitter. Criteria: ACMG Guidelines, 2015. Collection method: clinical testing. Allele origin: germline.
Comment: The EP400 c.3890A>G variant is predicted to result in the amino acid substitution p.Lys1297Arg. To our knowledge, this variant has not been reported in the literature. This variant is reported in 0.0033% of alleles in individuals of South Asian descent in gnomAD. At this time, the clinical significance of this variant is uncertain due to the absence of conclusive functional and genetic evidence.